The following is an entry in ClinVar:

ClinVar aggregate classification (germline): Uncertain significance (1 of 4 stars; one submission).

Conditions:
Cardiovascular phenotype. Identifiers: MedGen CN230736.

Submission:

Ambry Genetics
Classification: Uncertain significance for Cardiovascular phenotype. Last evaluated: 2026-04-09. Review status: criteria provided, single submitter. Criteria: Ambry Variant Classification Scheme 2023. Collection method: clinical testing. Allele origin: germline.
Comment: The p.A101V variant (also known as c.302C>T), located in coding exon 4 of the TXNRD2 gene, results from a C to T substitution at nucleotide position 302. The alanine at codon 101 is replaced by valine, an amino acid with similar properties. This amino acid position is conserved. In addition, the in silico prediction for this alteration is inconclusive. Based on the available evidence, the clinical significance of this variant remains unclear.

NM_006440.5(TXNRD2):c.302C>T (p.Ala101Val)

Gene: TXNRD2 (thioredoxin reductase 2; minus strand). Cytogenetic location: 22q11.21.
Variant type: single nucleotide variant.
Coding change: c.302C>T on transcript NM_006440.5 (MANE Select); coding-DNA position 302, C replaced by T.
Protein change: p.Ala101Val; replaces alanine 101 with valine.
Molecular consequence: missense variant. On other transcripts: non-coding transcript variant (1).
Genome position (GRCh38, 1-based): chr22:19,918,932, G>A on the plus strand (C>T on the coding strand, the complement: TXNRD2 is on the minus strand). VCF-style: chr22-19918932-G-A. GRCh37 (hg19) VCF-style: chr22-19906455-G-A.
Other names: c.302C>T, p.Ala101Val (NM_001282512.3); c.299C>T, p.Ala100Val (NM_001352300.2); c.212C>T, p.Ala71Val (NM_001352301.2); c.14C>T, p.Ala5Val (NM_001352302.2); c.206C>T, p.Ala69Val (NM_001352303.2); short protein forms A100V, A101V, A5V, A69V, A71V.
Identifiers: ClinVar variation 4866272 (VCV004866272.1).
Genomic context (GRCh38, chr22:19,918,932, plus strand): 5'-ACGGGCTGGGCCACCTCCCAGCCATAGTTGGGGGCATCTTGGATCAGGCCTCCCAGCAGT[G>A]CCGCCTGGTGCATCAGCTTCTTGGGGATGCAGCCCACGTTGACGCAGGTGCCGCCGAGGC-3'
Protein context (NP_006431.2, residues 91-111): CIPKKLMHQA[Ala101Val]LLGGLIQDAP